The following is an entry in ClinVar:

ClinVar aggregate classification (germline): Likely pathogenic (1 of 4 stars; one submission).

Allele frequency attached by ClinVar (database versions not stated): gnomAD exomes below 0.00001.
gnomAD v4.1: 2 of 1,613,114 alleles (0.00012%); highest among the groups gnomAD compares: Middle Eastern, 0.017%; no homozygotes.

Submission:

GeneDx
Classification: Likely pathogenic. Last evaluated: 2023-08-27. Review status: criteria provided, single submitter. Criteria: GeneDx Variant Classification Process June 2021. Collection method: clinical testing. Allele origin: germline. Affected: yes.
Comment: Has not been previously published as pathogenic or benign to our knowledge; Not observed at significant frequency in large population cohorts (gnomAD); In silico analysis supports that this missense variant has a deleterious effect on protein structure/function; Missense variants in this gene are often considered pathogenic (HGMD); This substitution is predicted to be within the transmembrane segment S1 of the fourth homologous domain

NM_001165963.4(SCN1A):c.4667T>C (p.Val1556Ala)

Genes: SCN1A (sodium voltage-gated channel alpha subunit 1; minus strand), LOC102724058 (uncharacterized LOC102724058; plus strand). Cytogenetic location: 2q24.3.
Variant type: single nucleotide variant.
Coding change: c.4667T>C on transcript NM_001165963.4 (MANE Select); coding-DNA position 4667, T replaced by C.
Protein change: p.Val1556Ala; replaces valine 1556 with alanine.
Molecular consequence: missense variant. On other transcripts: non-coding transcript variant (1).
Genome position (GRCh38, 1-based): chr2:165,994,331, A>G on the plus strand (T>C on the coding strand, the complement: SCN1A is on the minus strand). VCF-style: chr2-165994331-A-G. GRCh37 (hg19) VCF-style: chr2-166850841-A-G.
Other names: c.4583T>C, p.Val1528Ala (NM_001165964.3, NM_001353957.2, NM_001353958.2); c.4667T>C, p.Val1556Ala (NM_001202435.3, NM_001353948.2); c.4634T>C, p.Val1545Ala (NM_001353949.2, NM_001353950.2, NM_001353951.2 and 2 more transcripts); c.4631T>C, p.Val1544Ala (NM_001353954.2, NM_001353955.2); c.4580T>C, p.Val1527Ala (NM_001353960.2); c.2225T>C, p.Val742Ala (NM_001353961.2); short protein forms V1527A, V1528A, V1544A, V1545A, V1556A, V742A.
Identifiers: ClinVar variation 2578314 (VCV002578314.1), dbSNP rs398123598, ClinGen allele CA349072168.